The following is an entry in ClinVar:

NM_004304.5(ALK):c.2752_2754del (p.Arg918del)

Gene: ALK (ALK receptor tyrosine kinase; minus strand). Cytogenetic location: 2p23.2.
Variant type: Deletion.
Coding change: c.2752_2754del on transcript NM_004304.5 (MANE Select); coding-DNA positions 2752 to 2754, 3 bases deleted (AGA; older notation c.2752_2754delAGA).
Protein change: p.Arg918del; deletes arginine 918.
Genome position (GRCh38, 1-based): chr2:29,228,945-29,228,947, TCT deleted on the plus strand (AGA on the coding strand, the reverse complement: ALK is on the minus strand); deleting any 3 consecutive bases within chr2:29,228,945-29,228,948 gives the same sequence; the c. name uses the placement nearest the transcript's 3' end. VCF-style (leftmost placement, unchanged base first): chr2-29228944-CTCT-C. GRCh37 (hg19) VCF-style: chr2-29451810-CTCT-C.
Other names: c.2752_2754delAGA (NM_004304.4); short protein forms R918del.
Identifiers: ClinVar variation 4810292 (VCV004810292.2).

ClinVar aggregate classification (germline): Uncertain significance. Review status: criteria provided, multiple submitters, no conflicts (2 of 4 stars). 2 submissions from 2 submitters: Uncertain significance (2). Last evaluated 2026-03-20.

Conditions:
Neuroblastoma, susceptibility to, 3. Also called: ALK-Related Neuroblastic Tumor Susceptibility. Identifiers: Orphanet 635, MedGen C2751681, MONDO:0013083, OMIM 613014.
Hereditary cancer-predisposing syndrome. Also called: Hereditary neoplastic syndrome; Neoplastic Syndromes, Hereditary; Tumor predisposition; Hereditary Cancer Syndrome. Identifiers: Orphanet 140162, MedGen C0027672, MeSH D009386, MONDO:0015356.

Submissions (2):

Ambry Genetics
Classification: Uncertain significance for Hereditary cancer-predisposing syndrome. Last evaluated: 2026-03-20. Review status: criteria provided, single submitter. Criteria: Ambry Variant Classification Scheme 2023. Collection method: clinical testing. Allele origin: germline.
Comment: The c.2752_2754delAGA variant (also known as p.R918del) is located in coding exon 16 of the ALK gene. This variant results from an in-frame AGA deletion at nucleotide positions 2752 to 2754. This results in the in-frame deletion of an arginine at codon 918. This amino acid position is highly conserved in available vertebrate species. In addition, this variant is predicted to be deleterious by in silico analysis (Choi Y et al. PLoS ONE. 2012; 7(10):e46688). Based on the available evidence, the clinical significance of this variant remains unclear.

Labcorp Genetics (formerly Invitae), Labcorp
Classification: Uncertain significance for Neuroblastoma, susceptibility to, 3. Last evaluated: 2025-04-01. Review status: criteria provided, single submitter. Criteria: Invitae Variant Classification Sherloc (09022015). Collection method: clinical testing. Allele origin: germline.
Comment: This variant, c.2752_2754del, results in the deletion of 1 amino acid(s) of the ALK protein (p.Arg918del), but otherwise preserves the integrity of the reading frame. This variant is not present in population databases (gnomAD no frequency). This variant has not been reported in the literature in individuals affected with ALK-related conditions. Experimental studies and prediction algorithms are not available or were not evaluated, and the functional significance of this variant is currently unknown. In summary, the available evidence is currently insufficient to determine the role of this variant in disease. Therefore, it has been classified as a Variant of Uncertain Significance.